The following is an entry in ClinVar:

ClinVar aggregate classification (germline): Uncertain significance (1 of 4 stars; one submission).

Conditions:
FADD-related immunodeficiency. Also called: Infections, recurrent, with encephalopathy, hepatic dysfunction, and cardiovascular malformations; FADD DEFICIENCY. Identifiers: Orphanet 306550, MedGen C3151062, MONDO:0013408, OMIM 613759.

gnomAD v4.1: 30 of 1,613,864 alleles (0.0019%); highest among the groups gnomAD compares: Non-Finnish European, 0.0025%; no homozygotes.

Submission:

Labcorp Genetics (formerly Invitae), Labcorp
Classification: Uncertain significance for Infections, recurrent, with encephalopathy, hepatic dysfunction, and cardiovascular malformations. Last evaluated: 2018-11-21. Review status: criteria provided, single submitter. Criteria: Invitae Variant Classification Sherloc (09022015). Collection method: clinical testing. Allele origin: germline.
Comment: This sequence change replaces asparagine with lysine at codon 102 of the FADD protein (p.Asn102Lys). The asparagine residue is weakly conserved and there is a moderate physicochemical difference between asparagine and lysine. This variant is not present in population databases (ExAC no frequency). This variant has not been reported in the literature in individuals with FADD-related disease. Algorithms developed to predict the effect of missense changes on protein structure and function (SIFT, PolyPhen-2, Align-GVGD) all suggest that this variant is likely to be tolerated, but these predictions have not been confirmed by published functional studies and their clinical significance is uncertain. Algorithms developed to predict the effect of sequence changes on RNA splicing suggest that this variant may create or strengthen a splice site, but this prediction has not been confirmed by published transcriptional studies. In summary, the available evidence is currently insufficient to determine the role of this variant in disease. Therefore, it has been classified as a Variant of Uncertain Significance.

NM_003824.4(FADD):c.306C>G (p.Asn102Lys)

Gene: FADD (Fas associated via death domain; plus strand). Cytogenetic location: 11q13.3.
Variant type: single nucleotide variant.
Coding change: c.306C>G on transcript NM_003824.4 (MANE Select); coding-DNA position 306, C replaced by G.
Protein change: p.Asn102Lys; replaces asparagine 102 with lysine.
Molecular consequence: missense variant.
Genome position (GRCh38, 1-based): chr11:70,206,152, C>G. VCF-style: chr11-70206152-C-G. GRCh37 (hg19) VCF-style: chr11-70052258-C-G.
Other names: short protein forms N102K.
Identifiers: ClinVar variation 640000 (VCV000640000.1), dbSNP rs775250989, ClinGen allele CA381665910.